The following is an entry in ClinVar:

ClinVar aggregate classification (germline): Uncertain significance (1 of 4 stars; one submission).

Conditions:
Predisposition to Wilms tumor.

Submission:

St. Jude Molecular Pathology, St. Jude Children's Research Hospital
Classification: Uncertain significance for Predisposition to Wilms tumor. Last evaluated: 2026-02-20. Review status: criteria provided, single submitter. Criteria: St. Jude Assertion Criteria 2020. Collection method: clinical testing. Allele origin: germline.
Comment: The NYNRIN c.2675G>T p.(Gly892Val) missense change is absent in gnomAD v2.1.1. The in sili co tool REVEL predicts a deleterious effect on protein function, but to our knowledge this prediction has not been confirmed by functional studies. To our knowledge, this variant has not been reported in individuals with Wilms tumor. In summary, the evid ence currently available is insufficient to determine the clinical significance of this variant. It has therefore been classified as of uncertain significance.

NM_025081.3(NYNRIN):c.2675G>T (p.Gly892Val)

Gene: NYNRIN (NYN domain and retroviral integrase containing; plus strand). Cytogenetic location: 14q12.
Variant type: single nucleotide variant.
Coding change: c.2675G>T on transcript NM_025081.3 (MANE Select); coding-DNA position 2675, G replaced by T.
Protein change: p.Gly892Val; replaces glycine 892 with valine.
Molecular consequence: missense variant.
Genome position (GRCh38, 1-based): chr14:24,413,029, G>T. VCF-style: chr14-24413029-G-T. GRCh37 (hg19) VCF-style: chr14-24882235-G-T.
Other names: short protein forms G892V.
Identifiers: ClinVar variation 4813190 (VCV004813190.1).